The following is an entry in ClinVar:

NM_001165963.4(SCN1A):c.3553T>C (p.Cys1185Arg)

Genes: SCN1A (sodium voltage-gated channel alpha subunit 1; minus strand), LOC102724058 (uncharacterized LOC102724058; plus strand). Cytogenetic location: 2q24.3.
Variant type: single nucleotide variant.
Coding change: c.3553T>C on transcript NM_001165963.4 (MANE Select); coding-DNA position 3553, T replaced by C.
Protein change: p.Cys1185Arg; replaces cysteine 1185 with arginine.
Molecular consequence: missense variant. On other transcripts: non-coding transcript variant (1).
Genome position (GRCh38, 1-based): chr2:166,013,896, A>G on the plus strand (T>C on the coding strand, the complement: SCN1A is on the minus strand). VCF-style: chr2-166013896-A-G. GRCh37 (hg19) VCF-style: chr2-166870406-A-G.
Other names: c.3469T>C, p.Cys1157Arg (NM_001165964.3, NM_001353957.2, NM_001353958.2); c.3553T>C, p.Cys1185Arg (NM_001202435.3, NM_001353948.2); c.3520T>C, p.Cys1174Arg (NM_001353949.2, NM_001353950.2, NM_001353951.2 and 2 more transcripts); c.3517T>C, p.Cys1173Arg (NM_001353954.2, NM_001353955.2); c.3466T>C, p.Cys1156Arg (NM_001353960.2); c.1111T>C, p.Cys371Arg (NM_001353961.2); short protein forms C1174R, C1185R, C1156R, C1173R, C371R, C1157R.
Identifiers: ClinVar variation 449127 (VCV000449127.2), dbSNP rs1553532782, ClinGen allele CA349056423.

ClinVar aggregate classification (germline): Likely pathogenic (1 of 4 stars; one submission).

Submission:

GeneDx
Classification: Likely pathogenic. Last evaluated: 2017-06-26. Review status: criteria provided, single submitter. Criteria: GeneDx Variant Classification (06012015). Collection method: clinical testing. Allele origin: germline. Affected: yes.
Comment: The C1185R variant in the SCN1A gene has not been reported previously as a pathogenic variant, nor as a benign variant, to our knowledge. The C1185R variant is not observed in large population cohorts (Lek et al., 2016; 1000 Genomes Consortium et al., 2015; Exome Variant Server). The C1185R variant is a non-conservative amino acid substitution, which is likely to impact secondary protein structure as these residues differ in polarity, charge, size and/or other properties. This substitution occurs at a position that is conserved across species and is predicted to be in the cytoplasmic loop between the second and third homologous domains. In silico analysis predicts this variant is probably damaging to the protein structure/function. We interpret C1185R as a likely pathogenic variant.